The following is an entry in ClinVar:

NM_001754.5(RUNX1):c.352-1G>A

Genes: RUNX1 (RUNX family transcription factor 1; minus strand), RUNX1-AS1 (RUNX1 antisense RNA 1; plus strand). Cytogenetic location: 21q22.12.
Variant type: single nucleotide variant.
Coding change: c.352-1G>A on transcript NM_001754.5 (MANE Select); the canonical splice acceptor site of the intron before coding-DNA position 352, G replaced by A.
Molecular consequence: splice acceptor variant.
Genome position (GRCh38, 1-based): chr21:34,880,714, C>T on the plus strand (G>A on the coding strand, the complement: RUNX1 is on the minus strand). VCF-style: chr21-34880714-C-T. GRCh37 (hg19) VCF-style: chr21-36253011-C-T.
Other names: c.271-1G>A (NM_001001890.3, NM_001122607.2).
Identifiers: ClinVar variation 436616 (VCV000436616.8), dbSNP rs587776809, ClinGen allele CA410202793.

ClinVar aggregate classification (germline): Pathogenic. Review status: reviewed by expert panel (3 of 4 stars). 2 submissions from 2 submitters: Pathogenic (1). 1 of the submissions does not count toward it. Last evaluated 2024-03-26.

Conditions:
Hereditary thrombocytopenia and hematologic cancer predisposition syndrome. Identifiers: Orphanet 71290, MedGen CN281654, MONDO:0011071.
Hereditary thrombocytopenia and hematological cancer predisposition syndrome associated with RUNX1. Also called: Familial Platelet Disorder with Propensity to Acute Myelogenous Leukemia; Familial thrombocytopenia with propensity to acute myelogenous leukemia; PLATELET DISORDER, ASPIRIN-LIKE; RUNX1 Familial Platelet Disorder with Associated Myeloid Malignancies. Identifiers: Orphanet 71290, MedGen C1832388, MeSH C563324, MONDO:0100083, OMIM 601399.

Allele frequency attached by ClinVar (database versions not stated): gnomAD 0.00001; TOPMed 0.00001.
gnomAD v4.1: 1 of 1,613,930 alleles (0.000062%); highest among the groups gnomAD compares: Non-Finnish European, 0.000085%; no homozygotes.

Submissions (2):

ClinGen Myeloid Malignancy Variant Curation Expert Panel
Classification: Pathogenic for Hereditary thrombocytopenia and hematologic cancer predisposition syndrome. Last evaluated: 2024-03-26. Review status: reviewed by expert panel. Criteria: ClinGen MyeloMalig ACMG Specifications v2. Collection method: curation. Allele origin: germline. Inheritance: Autosomal dominant inheritance.
Comment: The NM_001754.4:c.352-1G>A variant is a canonical splice site variant that is predicted to introduce a frameshift and premature stop codon and expected to result in nonsense-mediated mRNA decay (PVS1). This variant is completely absent from all population databases with at least 20x coverage for RUNX1 (PM2_Supporting). This variant has been reported in one proband meeting at least one of the RUNX1-phenotypic criteria (PS4_ Supporting; PMID: 26175287). This variant was found to co-segregate with disease in multiple affected family members, with three meioses observed in one family (PP1; PMID: 26175287). In summary, this variant meets criteria to be classified as pathogenic. ACMG/AMP criteria applied, as specified by the Myeloid Malignancy Variant Curation Expert Panel for RUNX1: PVS1, PM2_supporting, PS4_Supporting, PP1.

Genetic Services Laboratory, University of Chicago
Classification: Pathogenic for Platelet disorder, familial, with associated myeloid malignancy. Last evaluated: 2015-10-27. Review status: criteria provided, single submitter. Criteria: ACMG Guidelines, 2015. Collection method: clinical testing. Allele origin: germline. Affected: yes. Not counted in ClinVar's aggregate classification.

Literature cited by the submitters: PubMed 26175287 (cited by ClinGen Myeloid Malignancy Variant Curation Expert Panel).